The following is an entry in ClinVar:

ClinVar aggregate classification (germline): Uncertain significance (1 of 4 stars; one submission).

Submission:

Labcorp Genetics (formerly Invitae), Labcorp
Classification: Uncertain significance. Last evaluated: 2025-02-23. Review status: criteria provided, single submitter. Criteria: Invitae Variant Classification Sherloc (09022015). Collection method: clinical testing. Allele origin: germline.
Comment: This sequence change replaces serine, which is neutral and polar, with threonine, which is neutral and polar, at codon 1064 of the TECTA protein (p.Ser1064Thr). This variant is not present in population databases (gnomAD no frequency). This variant has not been reported in the literature in individuals affected with TECTA-related conditions. Invitae Evidence Modeling of protein sequence and biophysical properties (such as structural, functional, and spatial information, amino acid conservation, physicochemical variation, residue mobility, and thermodynamic stability) indicates that this missense variant is not expected to disrupt TECTA protein function with a negative predictive value of 95%. In summary, the available evidence is currently insufficient to determine the role of this variant in disease. Therefore, it has been classified as a Variant of Uncertain Significance.

NM_005422.4(TECTA):c.3191G>C (p.Ser1064Thr)

Genes: TBCEL-TECTA (TBCEL-TECTA readthrough; plus strand), TECTA (tectorin alpha; plus strand). Cytogenetic location: 11q23.3.
Variant type: single nucleotide variant.
Coding change: c.3191G>C on transcript NM_005422.4 (MANE Select); coding-DNA position 3191, G replaced by C.
Protein change: p.Ser1064Thr; replaces serine 1064 with threonine.
Molecular consequence: missense variant.
Genome position (GRCh38, 1-based): chr11:121,137,670, G>C. VCF-style: chr11-121137670-G-C. GRCh37 (hg19) VCF-style: chr11-121008379-G-C.
Other names: c.4148G>C, p.Ser1383Thr (NM_001378761.1); short protein forms S1064T, S1383T.
Identifiers: ClinVar variation 4800636 (VCV004800636.1).